The following is an entry in ClinVar:

NM_001085.5(SERPINA3):c.570G>A (p.Gly190=)

Gene: SERPINA3 (serpin family A member 3; plus strand). Cytogenetic location: 14q32.13.
Variant type: single nucleotide variant.
Coding change: c.570G>A on transcript NM_001085.5 (MANE Select); coding-DNA position 570, G replaced by A.
Protein change: p.Gly190=; no amino-acid change (glycine 190 retained).
Molecular consequence: synonymous variant.
Genome position (GRCh38, 1-based): chr14:94,615,011, G>A. VCF-style: chr14-94615011-G-A. GRCh37 (hg19) VCF-style: chr14-95081348-G-A.
Other names: c.570G>A, p.Gly190= (NM_001384672.1, NM_001384673.1, NM_001384674.1).
Identifiers: ClinVar variation 2644483 (VCV002644483.24), dbSNP rs757020810, ClinGen allele CA7329800.

ClinVar aggregate classification (germline): Likely benign (1 of 4 stars; one submission).

Allele frequency attached by ClinVar (database versions not stated): ExAC 0.00011.
gnomAD v4.1: 385 of 1,614,050 alleles (0.024%); highest among the groups gnomAD compares: Non-Finnish European, 0.031%; no homozygotes.

Submission:

CeGaT Center for Human Genetics Tuebingen
Classification: Likely benign. Last evaluated: 2023-01-01. Review status: criteria provided, single submitter. Criteria: CeGaT Center For Human Genetics Tuebingen Variant Classification Criteria Version 2. Collection method: clinical testing. Allele origin: germline. Affected: yes. Observed: 1 variant allele.
Comment: SERPINA3: BP4, BP7